The following is an entry in ClinVar:

NM_005419.4(STAT2):c.2212G>C (p.Glu738Gln)

Gene: STAT2 (signal transducer and activator of transcription 2; minus strand). Cytogenetic location: 12q13.3.
Variant type: single nucleotide variant.
Coding change: c.2212G>C on transcript NM_005419.4 (MANE Select); coding-DNA position 2212, G replaced by C.
Protein change: p.Glu738Gln; replaces glutamic acid 738 with glutamine.
Molecular consequence: missense variant.
Genome position (GRCh38, 1-based): chr12:56,344,026, C>G on the plus strand (G>C on the coding strand, the complement: STAT2 is on the minus strand). VCF-style: chr12-56344026-C-G. GRCh37 (hg19) VCF-style: chr12-56737810-C-G.
Other names: c.2179G>C, p.Glu727Gln (NM_001385110.1); c.2113G>C, p.Glu705Gln (NM_001385111.1); c.2212G>C, p.Glu738Gln (NM_001385113.1); c.2191G>C, p.Glu731Gln (NM_001385114.1); c.2170G>C, p.Glu724Gln (NM_001385115.1); c.2200G>C, p.Glu734Gln (NM_198332.2); short protein forms E705Q, E724Q, E727Q, E731Q, E734Q, E738Q.
Identifiers: ClinVar variation 1978256 (VCV001978256.4), dbSNP rs1337148683, ClinGen allele CA385259109.

ClinVar aggregate classification (germline): Uncertain significance (1 of 4 stars; one submission).

Conditions:
Primary immunodeficiency with post-measles-mumps-rubella vaccine viral infection. Also called: Immunodeficiency 44. Identifiers: Orphanet 431166, MedGen C4225260, MONDO:0014715, OMIM 616636.

Submission:

Labcorp Genetics (formerly Invitae), Labcorp
Classification: Uncertain significance for Primary immunodeficiency with post-measles-mumps-rubella vaccine viral infection. Last evaluated: 2022-06-18. Review status: criteria provided, single submitter. Criteria: Invitae Variant Classification Sherloc (09022015). Collection method: clinical testing. Allele origin: germline.
Comment: This variant is not present in population databases (gnomAD no frequency). In summary, the available evidence is currently insufficient to determine the role of this variant in disease. Therefore, it has been classified as a Variant of Uncertain Significance. Advanced modeling of protein sequence and biophysical properties (such as structural, functional, and spatial information, amino acid conservation, physicochemical variation, residue mobility, and thermodynamic stability) performed at Invitae indicates that this missense variant is not expected to disrupt STAT2 protein function. This variant has not been reported in the literature in individuals affected with STAT2-related conditions. This sequence change replaces glutamic acid, which is acidic and polar, with glutamine, which is neutral and polar, at codon 738 of the STAT2 protein (p.Glu738Gln).